The following is an entry in ClinVar:

NM_032578.4(MYPN):c.3306G>A (p.Pro1102=)

Gene: MYPN (myopalladin; plus strand). Cytogenetic location: 10q21.3.
Variant type: single nucleotide variant.
Coding change: c.3306G>A on transcript NM_032578.4 (MANE Select); coding-DNA position 3306, G replaced by A.
Protein change: p.Pro1102=; no amino-acid change (proline 1102 retained).
Molecular consequence: synonymous variant. On other transcripts: non-coding transcript variant (2).
Genome position (GRCh38, 1-based): chr10:68,199,388, G>A. VCF-style: chr10-68199388-G-A. GRCh37 (hg19) VCF-style: chr10-69959145-G-A.
Other names: c.3306G>A (NM_032578.2); c.3306G>A, p.Pro1102= (NM_001256267.2); c.2424G>A, p.Pro808= (NM_001256268.2).
Identifiers: ClinVar variation 1010575 (VCV001010575.9), dbSNP rs771521427, ClinGen allele CA5523020.

ClinVar aggregate classification (germline): Conflicting classifications of pathogenicity. Review status: criteria provided, conflicting classifications (1 of 4 stars). 2 submissions from 2 submitters: Uncertain significance (1); Likely benign (1). Last evaluated 2025-11-26.

Conditions:
Dilated cardiomyopathy 1KK (CMD1KK). Identifiers: Orphanet 154, Orphanet 75249, MedGen C3714995, MONDO:0014100, OMIM 615248.
Cardiovascular phenotype. Identifiers: MedGen CN230736.

Allele frequency attached by ClinVar (database versions not stated): TOPMed 0.00001.
gnomAD v4.1: 22 of 1,613,850 alleles (0.0014%); highest among the groups gnomAD compares: South Asian, 0.0088%; no homozygotes.

Submissions (2):

Ambry Genetics
Classification: Uncertain significance for Cardiovascular phenotype. Last evaluated: 2025-11-26. Review status: criteria provided, single submitter. Criteria: Ambry Variant Classification Scheme 2023. Collection method: clinical testing. Allele origin: germline.
Comment: The c.3306G>A variant (also known as p.P1102P), located in coding exon 16 of the MYPN gene, results from a G to A substitution at nucleotide position 3306. This nucleotide substitution does not change the amino acid at codon 1102. This nucleotide position is poorly conserved in available vertebrate species. In silico splice site analysis for this alteration is inconclusive. Based on the available evidence, the clinical significance of this variant remains unclear.

Labcorp Genetics (formerly Invitae), Labcorp
Classification: Likely benign for Dilated cardiomyopathy 1KK. Last evaluated: 2025-08-09. Review status: criteria provided, single submitter. Criteria: Invitae Variant Classification Sherloc (09022015). Collection method: clinical testing. Allele origin: germline.